The following is an entry in ClinVar:

ClinVar aggregate classification (germline): Uncertain significance (1 of 4 stars; one submission).

Conditions:
Aicardi-Goutieres syndrome 6 (AGS6). Identifiers: Orphanet 51, MedGen C3539013, MONDO:0014007, OMIM 615010.
Symmetrical dyschromatosis of extremities (DSH). Also called: RETICULATE ACROPIGMENTATION OF DOHI; SYMMETRIC DYSCHROMATOSIS OF THE EXTREMITIES; DYSCHROMATOSIS SYMMETRICA HEREDITARIA 1; Dyschromatosis symmetrica hereditaria. Identifiers: Orphanet 41, MedGen C0406775, MONDO:0007483, OMIM 127400.

Submission:

Labcorp Genetics (formerly Invitae), Labcorp
Classification: Uncertain significance for Aicardi-Goutieres syndrome 6; Symmetrical dyschromatosis of extremities. Last evaluated: 2023-07-27. Review status: criteria provided, single submitter. Criteria: Invitae Variant Classification Sherloc (09022015). Collection method: clinical testing. Allele origin: germline.
Comment: In summary, the available evidence is currently insufficient to determine the role of this variant in disease. Therefore, it has been classified as a Variant of Uncertain Significance. Advanced modeling of protein sequence and biophysical properties (such as structural, functional, and spatial information, amino acid conservation, physicochemical variation, residue mobility, and thermodynamic stability) has been performed at Invitae for this missense variant, however the output from this modeling did not meet the statistical confidence thresholds required to predict the impact of this variant on ADAR protein function. ClinVar contains an entry for this variant (Variation ID: 571932). This missense change has been observed in individual(s) with autosomal dominant dyschromatosis symmetrica hereditaria (PMID: 29536976). It has also been observed to segregate with disease in related individuals. This variant is not present in population databases (gnomAD no frequency). This sequence change replaces aspartic acid, which is acidic and polar, with tyrosine, which is neutral and polar, at codon 908 of the ADAR protein (p.Asp908Tyr).

Literature cited by the submitters: PubMed 29536976.

NM_001111.5(ADAR):c.2722G>T (p.Asp908Tyr)

Genes: ADAR (adenosine deaminase RNA specific; minus strand), LOC126805874 (CDK7 strongly-dependent group 2 enhancer GRCh37_chr1:154561176-154562375; plus strand). Cytogenetic location: 1q21.3.
Variant type: single nucleotide variant.
Coding change: c.2722G>T on transcript NM_001111.5 (MANE Select); coding-DNA position 2722, G replaced by T.
Protein change: p.Asp908Tyr; replaces aspartic acid 908 with tyrosine.
Molecular consequence: missense variant.
Genome position (GRCh38, 1-based): chr1:154,589,409, C>A on the plus strand (G>T on the coding strand, the complement: ADAR is on the minus strand). VCF-style: chr1-154589409-C-A. GRCh37 (hg19) VCF-style: chr1-154561885-C-A.
Other names: c.2722G>T, p.Asp908Tyr (LRG_1212t1); c.1837G>T, p.Asp613Tyr (NM_001025107.3, NM_001193495.2, NM_001365046.1 and 2 more transcripts); c.2749G>T, p.Asp917Tyr (NM_001365045.1); c.1759G>T, p.Asp587Tyr (NM_001365049.1); c.2644G>T, p.Asp882Tyr (NM_015840.4); c.2587G>T, p.Asp863Tyr (NM_015841.4); short protein forms D908Y, D613Y, D863Y, D882Y, D917Y, D587Y.
Identifiers: ClinVar variation 571932 (VCV000571932.7), dbSNP rs1557869750, ClinGen allele CA342636608.
Genomic context (GRCh38, chr1:154,589,409, plus strand): 5'-ACAGCTCTGACCTCGCTCACCTGATGAAGCCTCTCCGGGAGATTATTTCTGCATGGCAGT[C>A]ATTGACAGTTTCTCCTTTTAGGCTGAGAGAATCTCCTTTCACACAGCGATTCCCTAGGAA-3'
Protein context (NP_001102.3, residues 898-918): SLSLKGETVN[Asp908Tyr]CHAEIISRRG